The following is an entry in ClinVar:

ClinVar aggregate classification (germline): Uncertain significance (1 of 4 stars; one submission).

gnomAD v4.1: 20 of 1,571,026 alleles (0.0013%); highest among the groups gnomAD compares: South Asian, 0.021%; no homozygotes.

Submission:

Labcorp Genetics (formerly Invitae), Labcorp
Classification: Uncertain significance. Last evaluated: 2024-03-20. Review status: criteria provided, single submitter. Criteria: Invitae Variant Classification Sherloc (09022015). Collection method: clinical testing. Allele origin: germline.
Comment: This sequence change replaces valine, which is neutral and non-polar, with aspartic acid, which is acidic and polar, at codon 161 of the GINS1 protein (p.Val161Asp). This variant is present in population databases (rs543112005, gnomAD 0.02%). This variant has not been reported in the literature in individuals affected with GINS1-related conditions. An algorithm developed to predict the effect of missense changes on protein structure and function (PolyPhen-2) suggests that this variant is likely to be tolerated. In summary, the available evidence is currently insufficient to determine the role of this variant in disease. Therefore, it has been classified as a Variant of Uncertain Significance.

NM_021067.5(GINS1):c.482T>A (p.Val161Asp)

Gene: GINS1 (GINS complex subunit 1; plus strand). Cytogenetic location: 20p11.21.
Variant type: single nucleotide variant.
Coding change: c.482T>A on transcript NM_021067.5 (MANE Select); coding-DNA position 482, T replaced by A.
Protein change: p.Val161Asp; replaces valine 161 with aspartic acid.
Molecular consequence: missense variant. On other transcripts: non-coding transcript variant (1).
Genome position (GRCh38, 1-based): chr20:25,441,736, T>A. VCF-style: chr20-25441736-T-A. GRCh37 (hg19) VCF-style: chr20-25422372-T-A.
Other names: c.365T>A, p.Val122Asp (NM_001410830.1); c.227T>A, p.Val76Asp (NM_001410831.1); short protein forms V122D, V161D, V76D.
Identifiers: ClinVar variation 3667656 (VCV003667656.2).